The following is an entry in ClinVar:

NM_020975.6(RET):c.1402A>G (p.Asn468Asp)

Gene: RET (ret proto-oncogene; plus strand). Cytogenetic location: 10q11.21.
Variant type: single nucleotide variant.
Coding change: c.1402A>G on transcript NM_020975.6 (MANE Select); coding-DNA position 1402, A replaced by G.
Protein change: p.Asn468Asp; replaces asparagine 468 with aspartic acid.
Molecular consequence: missense variant.
Genome position (GRCh38, 1-based): chr10:43,111,345, A>G. VCF-style: chr10-43111345-A-G. GRCh37 (hg19) VCF-style: chr10-43606793-A-G.
Other names: c.1402A>G, p.Asn468Asp (NM_001406759.1, NM_001406760.1, NM_001406763.1 and 6 more transcripts); c.1273A>G, p.Asn425Asp (NM_001406761.1, NM_001406762.1, NM_001406764.1 and 1 more transcripts); c.1114A>G, p.Asn372Asp (NM_001406766.1, NM_001406767.1, NM_001406770.1); c.640A>G, p.Asn214Asp (NM_001355216.2); c.1006A>G, p.Asn336Asp (NM_001406769.1, NM_001406772.1); c.964A>G, p.Asn322Asp (NM_001406771.1, NM_001406773.1); c.877A>G, p.Asn293Asp (NM_001406774.1); c.676A>G, p.Asn226Asp (NM_001406775.1, NM_001406776.1, NM_001406777.1 and 1 more transcripts); and 1 more; short protein forms N468D, N214D, N372D, N425D, N226D, N293D, N322D, N138D.
Identifiers: ClinVar variation 477315 (VCV000477315.12), dbSNP rs1554818536, ClinGen allele CA376549425.

ClinVar aggregate classification (germline): Uncertain significance (1 of 4 stars; one submission).

Conditions:
Multiple endocrine neoplasia, type 2 (MEN2). Identifiers: Orphanet 653, MedGen C4048306, MONDO:0019003. Disease mechanism: gain of function.

Submission:

Labcorp Genetics (formerly Invitae), Labcorp
Classification: Uncertain significance for Multiple endocrine neoplasia, type 2. Last evaluated: 2019-11-10. Review status: criteria provided, single submitter. Criteria: Invitae Variant Classification Sherloc (09022015). Collection method: clinical testing. Allele origin: germline.
Comment: In summary, the available evidence is currently insufficient to determine the role of this variant in disease. Therefore, it has been classified as a Variant of Uncertain Significance. Algorithms developed to predict the effect of missense changes on protein structure and function (SIFT, PolyPhen-2, Align-GVGD) all suggest that this variant is likely to be tolerated, but these predictions have not been confirmed by published functional studies and their clinical significance is uncertain. This variant has not been reported in the literature in individuals with RET-related conditions. ClinVar contains an entry for this variant (Variation ID: 477315). This variant is not present in population databases (ExAC no frequency). This sequence change replaces asparagine with aspartic acid at codon 468 of the RET protein (p.Asn468Asp). The asparagine residue is highly conserved and there is a small physicochemical difference between asparagine and aspartic acid.